The following is an entry in ClinVar:

NM_014629.4(ARHGEF10):c.1884C>T (p.Asn628=)

Gene: ARHGEF10 (Rho guanine nucleotide exchange factor 10; plus strand). Cytogenetic location: 8p23.3.
Variant type: single nucleotide variant.
Coding change: c.1884C>T on transcript NM_014629.4 (MANE Select); coding-DNA position 1884, C replaced by T.
Protein change: p.Asn628=; no amino-acid change (asparagine 628 retained).
Molecular consequence: synonymous variant.
Genome position (GRCh38, 1-based): chr8:1,905,633, C>T. VCF-style: chr8-1905633-C-T. GRCh37 (hg19) VCF-style: chr8-1853799-C-T.
Other names: c.1770C>T, p.Asn590= (NM_001308152.2); c.1884C>T, p.Asn628= (NM_001308153.3).
Identifiers: ClinVar variation 1593201 (VCV001593201.10), dbSNP rs766706725, ClinGen allele CA4600619.

ClinVar aggregate classification (germline): Likely benign. Review status: criteria provided, single submitter (1 of 4 stars). 2 submissions from 2 submitters: Likely benign (1). 1 of the submissions does not count toward it. Last evaluated 2025-01-17.

Conditions:
ARHGEF10-related disorder. Also called: ARHGEF10-related condition.

Allele frequency attached by ClinVar (database versions not stated): ExAC 0.00003; gnomAD 0.00004 and 0.00005; gnomAD exomes 0.00005 and 0.00007; TOPMed 0.00006.
gnomAD v4.1: 101 of 1,614,030 alleles (0.0063%); highest among the groups gnomAD compares: Middle Eastern, 0.033%; no homozygotes.

Submissions (2):

Labcorp Genetics (formerly Invitae), Labcorp
Classification: Likely benign. Last evaluated: 2025-01-17. Review status: criteria provided, single submitter. Criteria: Invitae Variant Classification Sherloc (09022015). Collection method: clinical testing. Allele origin: germline.

PreventionGenetics, part of Exact Sciences
Classification: Likely benign for ARHGEF10-related condition. Last evaluated: 2019-05-13. Review status: no assertion criteria provided. Collection method: clinical testing. Allele origin: germline. Not counted in ClinVar's aggregate classification.
Comment: This variant is classified as likely benign based on ACMG/AMP sequence variant interpretation guidelines (Richards et al. 2015 PMID: 25741868, with internal and published modifications).